The following is an entry in ClinVar:

ClinVar aggregate classification (germline): Likely benign. Review status: criteria provided, multiple submitters, no conflicts (2 of 4 stars). 3 submissions from 3 submitters: Likely benign (3). Last evaluated 2025-10-25.

Conditions:
Arrhythmogenic right ventricular dysplasia 5. Also called: Arrhythmogenic Right Ventricular Dysplasia/Cardiomyopathy 5; ARRHYTHMOGENIC RIGHT VENTRICULAR DYSPLASIA, FAMILIAL, 5. Identifiers: MedGen C1858379, MONDO:0011459, OMIM 604400.
Cardiomyopathy (CMYO). Also called: Cardiomyopathies. Identifiers: Orphanet 167848, MedGen C0878544, MONDO:0004994, HP:0001638. Inheritance: Various modes of inheritance.

Allele frequency attached by ClinVar (database versions not stated): gnomAD exomes below 0.00001; gnomAD 0.00001.
gnomAD v4.1: 4 of 1,613,432 alleles (0.00025%); highest among the groups gnomAD compares: Non-Finnish European, 0.00034%; no homozygotes.

Submissions (3):

Labcorp Genetics (formerly Invitae), Labcorp
Classification: Likely benign for Arrhythmogenic right ventricular dysplasia 5. Last evaluated: 2025-10-25. Review status: criteria provided, single submitter. Criteria: Invitae Variant Classification Sherloc (09022015). Collection method: clinical testing. Allele origin: germline.

All of Us Research Program, National Institutes of Health
Classification: Likely benign for Arrhythmogenic right ventricular dysplasia 5. Last evaluated: 2023-02-24. Review status: criteria provided, single submitter. Criteria: ACMG Guidelines, 2015. Collection method: clinical testing. Allele origin: germline. Inheritance: Autosomal dominant inheritance. Observed: 1 variant allele, 1 heterozygote.
Comment: This study involves interpretation of variants in research participants for the purpose of population health screening. Participant phenotype was not available at the time of variant classification. Additional details can be found in publication PMID: 35346344, PMCID: PMC8962531

Color Diagnostics, LLC DBA Color Health
Classification: Likely benign for Cardiomyopathy. Last evaluated: 2022-11-06. Review status: criteria provided, single submitter. Criteria: ACMG Guidelines, 2015. Collection method: clinical testing. Allele origin: germline.

NM_024334.3(TMEM43):c.102T>A (p.Gly34=)

Gene: TMEM43 (transmembrane protein 43; plus strand). Cytogenetic location: 3p25.1.
Variant type: single nucleotide variant.
Coding change: c.102T>A on transcript NM_024334.3 (MANE Select); coding-DNA position 102, T replaced by A.
Protein change: p.Gly34=; no amino-acid change (glycine 34 retained).
Molecular consequence: synonymous variant. On other transcripts: intron variant (1).
Genome position (GRCh38, 1-based): chr3:14,129,501, T>A. VCF-style: chr3-14129501-T-A. GRCh37 (hg19) VCF-style: chr3-14171001-T-A.
Other names: c.102T>A, p.Gly34= (NM_001407274.1, NM_001407275.1, NM_001407276.1 and 3 more transcripts); c.13-1321T>A (NM_001407280.1).
Identifiers: ClinVar variation 2201704 (VCV002201704.5), dbSNP rs1474026817, ClinGen allele CA432551027.
Genomic context (GRCh38, chr3:14,129,501, plus strand): 5'-TGTCAAAGTTAAAACCAGCTCCCAGCCAGGCTTCCTGGAACGGCTGAGCGAGACCTCGGG[T>A]GGGATGTTTGTGGGGCTCATGGCCTTCCTGCTCTCCTTCTACCTAATTTTCACCAATGAG-3'
Protein context (NP_077310.1, residues 24-44): GFLERLSETS[Gly34=]GMFVGLMAFL